The following is an entry in ClinVar:

NM_004304.5(ALK):c.1281A>C (p.Glu427Asp)

Gene: ALK (ALK receptor tyrosine kinase; minus strand). Cytogenetic location: 2p23.2.
Variant type: single nucleotide variant.
Coding change: c.1281A>C on transcript NM_004304.5 (MANE Select); coding-DNA position 1281, A replaced by C.
Protein change: p.Glu427Asp; replaces glutamic acid 427 with aspartic acid.
Molecular consequence: missense variant.
Genome position (GRCh38, 1-based): chr2:29,383,733, T>G on the plus strand (A>C on the coding strand, the complement: ALK is on the minus strand). VCF-style: chr2-29383733-T-G. GRCh37 (hg19) VCF-style: chr2-29606599-T-G.
Other names: c.1281A>C (NM_004304.4); short protein forms E427D.
Identifiers: ClinVar variation 2159784 (VCV002159784.6), dbSNP rs746451923, ClinGen allele CA1594706.

ClinVar aggregate classification (germline): Uncertain significance. Review status: criteria provided, multiple submitters, no conflicts (2 of 4 stars). 2 submissions from 2 submitters: Uncertain significance (2). Last evaluated 2024-04-03.

Conditions:
Hereditary cancer-predisposing syndrome. Also called: Neoplastic Syndromes, Hereditary; Hereditary Cancer Syndrome; Hereditary neoplastic syndrome; Tumor predisposition. Identifiers: Orphanet 140162, MedGen C0027672, MeSH D009386, MONDO:0015356.
Neuroblastoma, susceptibility to, 3. Also called: ALK-Related Neuroblastic Tumor Susceptibility. Identifiers: Orphanet 635, MedGen C2751681, MONDO:0013083, OMIM 613014.

Allele frequency attached by ClinVar (database versions not stated): gnomAD exomes 0.00001; ExAC 0.00002.
gnomAD v4.1: 3 of 1,614,090 alleles (0.00019%); highest among the groups gnomAD compares: Non-Finnish European, 0.00025%; no homozygotes.

Submissions (2):

Labcorp Genetics (formerly Invitae), Labcorp
Classification: Uncertain significance for Neuroblastoma, susceptibility to, 3. Last evaluated: 2024-04-03. Review status: criteria provided, single submitter. Criteria: Invitae Variant Classification Sherloc (09022015). Collection method: clinical testing. Allele origin: germline.
Comment: This sequence change replaces glutamic acid, which is acidic and polar, with aspartic acid, which is acidic and polar, at codon 427 of the ALK protein (p.Glu427Asp). This variant is present in population databases (rs746451923, gnomAD 0.003%). This variant has not been reported in the literature in individuals affected with ALK-related conditions. ClinVar contains an entry for this variant (Variation ID: 2159784). An algorithm developed to predict the effect of missense changes on protein structure and function (PolyPhen-2) suggests that this variant is likely to be tolerated. In summary, the available evidence is currently insufficient to determine the role of this variant in disease. Therefore, it has been classified as a Variant of Uncertain Significance.

Ambry Genetics
Classification: Uncertain significance for Hereditary cancer-predisposing syndrome. Last evaluated: 2023-05-28. Review status: criteria provided, single submitter. Criteria: Ambry Variant Classification Scheme 2023. Collection method: clinical testing. Allele origin: germline.
Comment: The p.E427D variant (also known as c.1281A>C), located in coding exon 5 of the ALK gene, results from an A to C substitution at nucleotide position 1281. The glutamic acid at codon 427 is replaced by aspartic acid, an amino acid with highly similar properties. This amino acid position is conserved. In addition, this alteration is predicted to be tolerated by in silico analysis. Since supporting evidence is limited at this time, the clinical significance of this alteration remains unclear.